The following is an entry in ClinVar:

ClinVar aggregate classification (germline): Likely pathogenic (1 of 4 stars; one submission).

Conditions:
Autosomal recessive limb-girdle muscular dystrophy type 2F (LGMDR6). Also called: Muscular dystrophy limb-girdle with delta-sarcoglyan deficiency; MUSCULAR DYSTROPHY, LIMB-GIRDLE, AUTOSOMAL RECESSIVE 6. Identifiers: Orphanet 219, MedGen C1832525, MONDO:0011028, OMIM 601287. Disease mechanism: Affects gamma-sarcoglycan and also disrupts the integrity of the entire sarcoglycan complex..

Submission:

Labcorp Genetics (formerly Invitae), Labcorp
Classification: Likely pathogenic for Autosomal recessive limb-girdle muscular dystrophy type 2F. Last evaluated: 2022-10-18. Review status: criteria provided, single submitter. Criteria: Invitae Variant Classification Sherloc (09022015). Collection method: clinical testing. Allele origin: germline.
Comment: This variant has not been reported in the literature in individuals affected with SGCD-related conditions. This variant is not present in population databases (gnomAD no frequency). This sequence change affects a donor splice site in intron 6 of the SGCD gene. It is expected to disrupt RNA splicing. Variants that disrupt the donor or acceptor splice site typically lead to a loss of protein function (PMID: 16199547), and loss-of-function variants in SGCD are known to be pathogenic (PMID: 8841194, 10735275, 10838250). Algorithms developed to predict the effect of sequence changes on RNA splicing suggest that this variant may disrupt the consensus splice site. In summary, the currently available evidence indicates that the variant is pathogenic, but additional data are needed to prove that conclusively. Therefore, this variant has been classified as Likely Pathogenic.

Literature cited by the submitters: PubMed 16199547; PubMed 8841194; PubMed 10735275; PubMed 10838250.

NM_000337.6(SGCD):c.502+2T>C

Gene: SGCD (sarcoglycan delta; plus strand). Cytogenetic location: 5q33.3.
Variant type: single nucleotide variant.
Coding change: c.502+2T>C on transcript NM_000337.6 (MANE Select); the canonical splice donor site of the intron after coding-DNA position 502, T replaced by C.
Molecular consequence: splice donor variant.
Genome position (GRCh38, 1-based): chr5:156,595,053, T>C. VCF-style: chr5-156595053-T-C. GRCh37 (hg19) VCF-style: chr5-156022063-T-C.
Other names: c.499+2T>C (NM_001128209.2); c.502+2T>C (NM_172244.3).
Identifiers: ClinVar variation 2024411 (VCV002024411.4), dbSNP rs2480248711, ClinGen allele CA362010874.
Genomic context (GRCh38, chr5:156,595,053, plus strand): 5'-GCTCTTCTCTGCAGACAATAATGAAGTGGTAGTAGGAGCTGAAAGATTACGAGTTTTAGG[T>C]AAGGAAACTTGAATCATTTAACTTGTTTGATGCTACTGTGTACATTTTAGAGGAGAAGCA-3'